The following is an entry in ClinVar:

ClinVar aggregate classification (germline): Likely benign (1 of 4 stars; one submission).

gnomAD v4.1: 242 of 1,614,048 alleles (0.015%); highest among the groups gnomAD compares: Middle Eastern, 0.066%; no homozygotes.

Submission:

CeGaT Center for Human Genetics Tuebingen
Classification: Likely benign. Last evaluated: 2026-02-01. Review status: criteria provided, single submitter. Criteria: CeGaT Center For Human Genetics Tuebingen Variant Classification Criteria Version 2. Collection method: clinical testing. Allele origin: germline. Affected: yes. Observed: 1 variant allele.
Comment: TAMM41: BP4, BP7

NM_001284401.2(TAMM41):c.489T>C (p.Ala163=)

Gene: TAMM41 (TAM41 mitochondrial translocator assembly and maintenance homolog). Cytogenetic location: 3p25.2.
Variant type: single nucleotide variant.
Coding change: c.489T>C on transcript NM_001284401.2 (MANE Select); coding-DNA position 489, T replaced by C.
Protein change: p.Ala163=; no amino-acid change (alanine 163 retained).
Molecular consequence: synonymous variant. On other transcripts: 5 prime UTR variant (1), non-coding transcript variant (10).
Genome position (GRCh38, 1-based): chr3:11,829,787, A>G on the plus strand (T>C on the coding strand, the complement: TAMM41 is on the minus strand). VCF-style: chr3-11829787-A-G. GRCh37 (hg19) VCF-style: chr3-11871261-A-G.
Other names: c.366T>C, p.Ala122= (NM_001321294.2); c.-10T>C (NM_001321295.2); c.489T>C, p.Ala163= (NM_001366031.2, NM_001394474.1, NM_138807.4).
Identifiers: ClinVar variation 4821238 (VCV004821238.4).